The following is an entry in ClinVar:

NM_024426.6(WT1):c.1474C>T (p.Pro492Ser)

Gene: WT1 (WT1 transcription factor; minus strand). Cytogenetic location: 11p13.
Variant type: single nucleotide variant.
Coding change: c.1474C>T on transcript NM_024426.6 (MANE Select); coding-DNA position 1474, C replaced by T.
Protein change: p.Pro492Ser; replaces proline 492 with serine.
Molecular consequence: missense variant. On other transcripts: non-coding transcript variant (1).
Genome position (GRCh38, 1-based): chr11:32,389,153, G>A on the plus strand (C>T on the coding strand, the complement: WT1 is on the minus strand). VCF-style: chr11-32389153-G-A. GRCh37 (hg19) VCF-style: chr11-32410699-G-A.
Other names: c.1414C>T, p.Pro472Ser (NM_000378.6); c.814C>T, p.Pro272Ser (NM_001198551.2); c.772C>T, p.Pro258Ser (NM_001198552.2); c.286C>T, p.Pro96Ser (NM_001367854.1); c.1459C>T, p.Pro487Ser (NM_001407044.1); c.1423C>T, p.Pro475Ser (NM_001407045.1); c.1381C>T, p.Pro461Ser (NM_001407046.1); c.1342C>T, p.Pro448Ser (NM_001407047.1); and 6 more; short protein forms P272S, P492S, P489S, P258S, P472S, P96S, P444S, P434S.
Identifiers: ClinVar variation 543123 (VCV000543123.7), dbSNP rs761360324, ClinGen allele CA064628.

ClinVar aggregate classification (germline): Uncertain significance (1 of 4 stars; one submission).

Conditions:
Wilms tumor 1 (WT1). Also called: Wilms tumor, somatic. Identifiers: Orphanet 654, MedGen CN033288, MONDO:0008679, OMIM 194070.
11p partial monosomy syndrome (WAGR). Also called: CHROMOSOME 11p13 DELETION SYNDROME; WAGR Spectrum Disorder; WAGR syndrome; WAGR Complex. Identifiers: Orphanet 893, MedGen C0206115, MONDO:0008681, OMIM 194072.
Frasier syndrome. Identifiers: Orphanet 347, MedGen C0950122, MeSH D052159, MONDO:0007635, OMIM 136680.
Drash syndrome (DDS). Also called: NEPHROPATHY, WILMS TUMOR, AND GENITAL ANOMALIES; WILMS TUMOR AND PSEUDO- OR TRUE HERMAPHRODITISM. Identifiers: Orphanet 220, MedGen C0950121, MONDO:0008682, OMIM 194080.

Allele frequency attached by ClinVar (database versions not stated): gnomAD exomes below 0.00001; ExAC 0.00001.
gnomAD v4.1: 1 of 1,614,052 alleles (0.000062%); highest among the groups gnomAD compares: Non-Finnish European, 0.000085%; no homozygotes.

Submission:

Labcorp Genetics (formerly Invitae), Labcorp
Classification: Uncertain significance for Wilms tumor 1; Drash syndrome; 11p partial monosomy syndrome; Frasier syndrome. Last evaluated: 2021-08-31. Review status: criteria provided, single submitter. Criteria: Invitae Variant Classification Sherloc (09022015). Collection method: clinical testing. Allele origin: germline.
Comment: This sequence change replaces proline with serine at codon 487 of the WT1 protein (p.Pro487Ser). The proline residue is highly conserved and there is a moderate physicochemical difference between proline and serine. The frequency data for this variant in the population databases is considered unreliable, as metrics indicate poor data quality at this position in the ExAC database. This variant has not been reported in the literature in individuals affected with WT1-related conditions. Algorithms developed to predict the effect of missense changes on protein structure and function (SIFT, PolyPhen-2, Align-GVGD) all suggest that this variant is likely to be tolerated. In summary, the available evidence is currently insufficient to determine the role of this variant in disease. Therefore, it has been classified as a Variant of Uncertain Significance.